The following is an entry in ClinVar:

NM_001184.4(ATR):c.4641+15C>T

Gene: ATR (ATR checkpoint kinase; minus strand). Cytogenetic location: 3q23.
Variant type: single nucleotide variant.
Coding change: c.4641+15C>T on transcript NM_001184.4 (MANE Select); 15 bases into the intron after coding-DNA position 4641, C replaced by T.
Molecular consequence: intron variant.
Genome position (GRCh38, 1-based): chr3:142,513,486, G>A on the plus strand (C>T on the coding strand, the complement: ATR is on the minus strand). VCF-style: chr3-142513486-G-A. GRCh37 (hg19) VCF-style: chr3-142232328-G-A.
Other names: c.4449+15C>T (NM_001354579.2).
Identifiers: ClinVar variation 157987 (VCV000157987.20), dbSNP rs200619976, ClinGen allele CA345984.

ClinVar aggregate classification (germline): Conflicting classifications of pathogenicity. Review status: criteria provided, conflicting classifications (1 of 4 stars). 5 submissions from 5 submitters: Uncertain significance (3); Benign (1); Likely benign (1). Last evaluated 2026-02-04.

Conditions:
Seckel syndrome 1 (SCKL1). Also called: MICROCEPHALIC PRIMORDIAL DWARFISM I. Identifiers: Orphanet 808, MedGen C4551474, MONDO:0008869, OMIM 210600.

Allele frequency attached by ClinVar (database versions not stated): ESP Exome Variant Server 0.00038; gnomAD 0.00048 and 0.00050; TOPMed 0.00057; gnomAD exomes 0.00060 and 0.00075; ExAC 0.00072.
gnomAD v4.1: 972 of 1,612,792 alleles (0.06%); highest among the groups gnomAD compares: Middle Eastern, 0.41%; 6 homozygotes.

Submissions (5):

Labcorp Genetics (formerly Invitae), Labcorp
Classification: Benign. Last evaluated: 2026-02-04. Review status: criteria provided, single submitter. Criteria: Invitae Variant Classification Sherloc (09022015). Collection method: clinical testing. Allele origin: germline.

Blueprint Genetics
Classification: Likely benign. Last evaluated: 2024-11-26. Review status: criteria provided, single submitter. Criteria: ACMG Guidelines, 2015. Collection method: clinical testing. Allele origin: germline.

Centre for Mendelian Genomics, University Medical Centre Ljubljana
Classification: Uncertain significance for Seckel syndrome 1. Last evaluated: 2019-10-01. Review status: criteria provided, single submitter. Criteria: ACMG Guidelines, 2015. Collection method: clinical testing. Allele origin: unknown. Affected: yes.
Comment: This variant was classified as: Uncertain significance. The available evidence on this variant's pathogenicity is insufficient or conflicting. The following ACMG criteria were applied in classifying this variant: BP4.

Illumina Laboratory Services, Illumina
Classification: Uncertain significance for Seckel syndrome 1. Last evaluated: 2018-01-13. Review status: criteria provided, single submitter. Criteria: ICSL Variant Classification Criteria 13 December 2019. Collection method: clinical testing. Allele origin: germline.

Genetic Services Laboratory, University of Chicago
Classification: Uncertain significance for Seckel syndrome 1. Last evaluated: 2013-03-04. Review status: criteria provided, single submitter. Criteria: ACMG Guidelines, 2007. Collection method: clinical testing. Allele origin: germline. Inheritance: Autosomal recessive inheritance.